The following is an entry in ClinVar:

NM_032888.4(COL27A1):c.4507C>T (p.Pro1503Ser)

Gene: COL27A1 (collagen type XXVII alpha 1 chain; plus strand). Cytogenetic location: 9q32.
Variant type: single nucleotide variant.
Coding change: c.4507C>T on transcript NM_032888.4 (MANE Select); coding-DNA position 4507, C replaced by T.
Protein change: p.Pro1503Ser; replaces proline 1503 with serine.
Molecular consequence: missense variant.
Genome position (GRCh38, 1-based): chr9:114,292,133, C>T. VCF-style: chr9-114292133-C-T. GRCh37 (hg19) VCF-style: chr9-117054413-C-T.
Other names: short protein forms P1503S.
Identifiers: ClinVar variation 2188418 (VCV002188418.1), dbSNP rs1399997016, ClinGen allele CA374590113.

ClinVar aggregate classification (germline): Uncertain significance (1 of 4 stars; one submission).

Allele frequency attached by ClinVar (database versions not stated): TOPMed 0.00001.

Submission:

Labcorp Genetics (formerly Invitae), Labcorp
Classification: Uncertain significance. Last evaluated: 2021-04-15. Review status: criteria provided, single submitter. Criteria: Invitae Variant Classification Sherloc (09022015). Collection method: clinical testing. Allele origin: germline.
Comment: This sequence change replaces proline with serine at codon 1503 of the COL27A1 protein (p.Pro1503Ser). The proline residue is highly conserved and there is a moderate physicochemical difference between proline and serine. This variant is not present in population databases (ExAC no frequency). This variant has not been reported in the literature in individuals with COL27A1-related conditions. Advanced modeling of protein sequence and biophysical properties (such as structural, functional, and spatial information, amino acid conservation, physicochemical variation, residue mobility, and thermodynamic stability) performed at Invitae indicates that this missense variant is not expected to disrupt COL27A1 protein function. In summary, the available evidence is currently insufficient to determine the role of this variant in disease. Therefore, it has been classified as a Variant of Uncertain Significance.